The following is an entry in ClinVar:

NM_005529.7(HSPG2):c.4224G>A (p.Val1408=)

Gene: HSPG2 (heparan sulfate proteoglycan 2; minus strand). Cytogenetic location: 1p36.12.
Variant type: single nucleotide variant.
Coding change: c.4224G>A on transcript NM_005529.7 (MANE Select); coding-DNA position 4224, G replaced by A.
Protein change: p.Val1408=; no amino-acid change (valine 1408 retained).
Molecular consequence: synonymous variant.
Genome position (GRCh38, 1-based): chr1:21,865,807, C>T on the plus strand (G>A on the coding strand, the complement: HSPG2 is on the minus strand). VCF-style: chr1-21865807-C-T. GRCh37 (hg19) VCF-style: chr1-22192300-C-T.
Other names: c.4227G>A, p.Val1409= (NM_001291860.2).
Identifiers: ClinVar variation 1306246 (VCV001306246.2), dbSNP rs768369194, ClinGen allele CA672341.

ClinVar aggregate classification (germline): Uncertain significance (1 of 4 stars; one submission).

Allele frequency attached by ClinVar (database versions not stated): gnomAD exomes below 0.00001; ExAC 0.00001.
gnomAD v4.1: 2 of 1,613,396 alleles (0.00012%); highest among the groups gnomAD compares: South Asian, 0.0022%; no homozygotes.

Submission:

GeneDx
Classification: Uncertain significance. Last evaluated: 2019-06-03. Review status: criteria provided, single submitter. Criteria: GeneDx Variant Classification Process June 2021. Collection method: clinical testing. Allele origin: germline. Affected: yes.
Comment: Has not been previously published as pathogenic or benign to our knowledge; In-silico analysis, which includes splice predictors and evolutionary conservation, is inconclusive as to whether the variant alters gene splicing. In the absence of RNA/functional studies, the actual effect of this sequence change is unknown.